The following is an entry in ClinVar:

ClinVar aggregate classification (germline): Benign. Review status: criteria provided, multiple submitters, no conflicts (2 of 4 stars). 2 submissions from 2 submitters: Benign (2). Last evaluated 2018-01-13.

Conditions:
Cockayne syndrome type 1. Also called: Cockayne syndrome type I; Cockayne syndrome classical; Cockayne syndrome classic form. Identifiers: Orphanet 191, Orphanet 90321, MedGen C0751039, MONDO:0019569, OMIM 216400.

Allele frequency attached by ClinVar (database versions not stated): gnomAD exomes 0.00210; gnomAD 0.04761 and 0.05096; 1000 Genomes Project 0.04892; TOPMed 0.05351; 1000 Genomes Project 30x 0.05372.
gnomAD v4.1: 7,174 of 152,698 alleles (4.7%); highest among the groups gnomAD compares: African/African-American, 16%; 572 homozygotes.

Submissions (2):

Illumina Laboratory Services, Illumina
Classification: Benign for Cockayne syndrome type 1. Last evaluated: 2018-01-13. Review status: criteria provided, single submitter. Criteria: ICSL Variant Classification Criteria 13 December 2019. Collection method: clinical testing. Allele origin: germline.
Comment: This variant was observed in the ICSL laboratory as part of a predisposition screen in an ostensibly healthy population. It had not been previously curated by ICSL or reported in the Human Gene Mutation Database (HGMD: prior to June 1st, 2018), and was therefore a candidate for classification through an automated scoring system. Utilizing variant allele frequency, disease prevalence and penetrance estimates, and inheritance mode, an automated score was calculated to assess if this variant is too frequent to cause the disease. Based on the score and internal cut-off values, a variant classified as benign is not then subjected to further curation. The score for this variant resulted in a classification of benign for this disease.

Breakthrough Genomics
Classification: Benign. Review status: criteria provided, single submitter. Criteria: ACMG Guidelines, 2015. Collection method: not provided. Allele origin: germline. Inheritance: Autosomal recessive inheritance. Affected: yes.

NM_000082.4(ERCC8):c.*519C>A

Gene: ERCC8 (ERCC excision repair 8, CSA ubiquitin ligase complex subunit; minus strand). Cytogenetic location: 5q12.1.
Variant type: single nucleotide variant.
Coding change: c.*519C>A on transcript NM_000082.4 (MANE Select); 519 bases downstream of the stop codon, C replaced by A.
Molecular consequence: 3 prime UTR variant.
Genome position (GRCh38, 1-based): chr5:60,874,096, G>T on the plus strand (C>A on the coding strand, the complement: ERCC8 is on the minus strand). VCF-style: chr5-60874096-G-T. GRCh37 (hg19) VCF-style: chr5-60169923-G-T.
Other names: c.*519C>A (NM_001007233.3, NM_001290285.2).
Identifiers: ClinVar variation 354006 (VCV000354006.6), dbSNP rs4647157, ClinGen allele CA10624841.